The following is an entry in ClinVar:

ClinVar aggregate classification (germline): Conflicting classifications of pathogenicity. Review status: criteria provided, conflicting classifications (1 of 4 stars). 8 submissions from 8 submitters: Uncertain significance (2); Likely benign (2). 4 of the submissions do not count toward it. Last evaluated 2026-04-01.

Conditions:
Hereditary hemochromatosis (HFE). Identifiers: MedGen C0392514, MONDO:0006507. Disease mechanism: loss of function.
Hemochromatosis type 3 (HFE3). Also called: TFR2-Related Hemochromatosis; Hereditary hemochromatosis type 3; HEMOCHROMATOSIS DUE TO DEFECT IN TRANSFERRIN RECEPTOR 2. Identifiers: Orphanet 225123, MedGen C1858664, MONDO:0011417, OMIM 604250.

Allele frequency attached by ClinVar (database versions not stated): 1000 Genomes Project 30x 0.00078; 1000 Genomes Project 0.00080; gnomAD exomes 0.00269 and 0.00484; gnomAD 0.00296 and 0.00384; ESP Exome Variant Server 0.00309; ExAC 0.00335; TOPMed 0.00396.
gnomAD v4.1: 7,480 of 1,592,294 alleles (0.47%); highest among the groups gnomAD compares: Non-Finnish European, 0.57%; 29 homozygotes.

Submissions (8):

CeGaT Center for Human Genetics Tuebingen
Classification: Likely benign. Last evaluated: 2026-04-01. Review status: criteria provided, single submitter. Criteria: CeGaT Center For Human Genetics Tuebingen Variant Classification Criteria Version 2. Collection method: clinical testing. Allele origin: germline. Affected: yes. Observed: 3 variant alleles.
Comment: TFR2: BP4, BS2

Labcorp Genetics (formerly Invitae), Labcorp
Classification: Likely benign for Hereditary hemochromatosis. Last evaluated: 2026-02-03. Review status: criteria provided, single submitter. Criteria: Invitae Variant Classification Sherloc (09022015). Collection method: clinical testing. Allele origin: germline.

Blueprint Genetics
Classification: Uncertain significance. Last evaluated: 2024-11-20. Review status: criteria provided, single submitter. Criteria: ACMG Guidelines, 2015. Collection method: clinical testing. Allele origin: germline.

Illumina Laboratory Services, Illumina
Classification: Uncertain significance for Hemochromatosis type 3. Last evaluated: 2017-04-27. Review status: criteria provided, single submitter. Criteria: ICSL Variant Classification Criteria 13 December 2019. Collection method: clinical testing. Allele origin: germline.
Comment: This variant was observed as part of a predisposition screen in an ostensibly healthy population. A literature search was performed for the gene, cDNA change, and amino acid change (where applicable). Publications were found based on this search. However, the evidence from the literature, in combination with allele frequency data from public databases where available, was not sufficient to rule this variant in or out of causing disease. Therefore, this variant is classified as a variant of unknown significance.

Natera, Inc.
Classification: Benign for Hereditary hemochromatosis type 3. Last evaluated: 2020-01-09. Review status: no assertion criteria provided. Collection method: clinical testing. Allele origin: germline. Not counted in ClinVar's aggregate classification.

Department of Pathology and Laboratory Medicine, Sinai Health System
Classification: Likely benign. Review status: no assertion criteria provided. Collection method: clinical testing. Allele origin: unknown. Affected: yes. Study: The Canadian Open Genetics Repository (COGR). Not counted in ClinVar's aggregate classification.
Comment: The TFR2 p.A205D variant was not identified in the literature nor was it identified in Cosmic and LOVD 3.0. The variant was identified in dbSNP (ID: rs41303495) and in ClinVar (classified as likely benign by Invitae for associated condition of Hereditary Hemochromatosis). The variant was identified in control databases in 683 of 252548 chromosomes (3 homozygous) at a frequency of 0.002704 increasing the likelihood this could be a low frequency benign variant (Genome Aggregation Database March 6, 2019, v2.1.1). The variant was observed in the following populations: European (non-Finnish) in 487 of 115588 chromosomes (freq: 0.004213), Other in 21 of 6406 chromosomes (freq: 0.003278), Latino in 76 of 30012 chromosomes (freq: 0.002532), South Asian in 46 of 27714 chromosomes (freq: 0.00166), European (Finnish) in 35 of 23298 chromosomes (freq: 0.001502), African in 17 of 22612 chromosomes (freq: 0.000752) and Ashkenazi Jewish in 1 of 8620 chromosomes (freq: 0.000116), but was not observed in the East Asian population. The p.Ala205 residue is conserved in mammals and computational analyses (PolyPhen-2, SIFT, AlignGVGD, BLOSUM, MutationTaster) provide inconsistent predictions regarding the impact to the protein; this information is not very predictive of pathogenicity. The variant occurs outside of the splicing consensus sequence and in silico or computational prediction software programs (SpliceSiteFinder, MaxEntScan, NNSPLICE, GeneSplicer) do not predict a difference in splicing. In summary, based on the above information the clinical significance of this variant cannot be determined with certainty at this time although we would lean towards a more benign role for this variant. This variant is classified as likely benign.

Diagnostic Laboratory, Department of Genetics, University Medical Center Groningen
Classification: Uncertain significance. Review status: no assertion criteria provided. Collection method: clinical testing. Allele origin: germline. Affected: yes. Study: VKGL Data-share Consensus. Not counted in ClinVar's aggregate classification.

Joint Genome Diagnostic Labs from Nijmegen and Maastricht, Radboudumc and MUMC+
Classification: Uncertain significance. Review status: no assertion criteria provided. Collection method: clinical testing. Allele origin: germline. Affected: yes. Study: VKGL Data-share Consensus. Not counted in ClinVar's aggregate classification.

Literature cited by the submitters: PubMed 12130528 (cited by Illumina Laboratory Services, Illumina).

NM_003227.4(TFR2):c.1127C>A (p.Ala376Asp)

Gene: TFR2 (transferrin receptor 2; minus strand). Cytogenetic location: 7q22.1.
Variant type: single nucleotide variant.
Coding change: c.1127C>A on transcript NM_003227.4 (MANE Select); coding-DNA position 1127, C replaced by A.
Protein change: p.Ala376Asp; replaces alanine 376 with aspartic acid.
Molecular consequence: missense variant.
Genome position (GRCh38, 1-based): chr7:100,631,032, G>T on the plus strand (C>A on the coding strand, the complement: TFR2 is on the minus strand). VCF-style: chr7-100631032-G-T. GRCh37 (hg19) VCF-style: chr7-100228655-G-T.
Other names: c.614C>A, p.Ala205Asp (NM_001206855.3); short protein forms A376D, A205D.
Identifiers: ClinVar variation 461196 (VCV000461196.65), dbSNP rs41303495, ClinGen allele CA4386561.